The following is an entry in ClinVar:

NM_001267550.2(TTN):c.36159G>A (p.Thr12053=)

Gene: TTN (titin; minus strand). Cytogenetic location: 2q31.2.
Variant type: single nucleotide variant.
Coding change: c.36159G>A on transcript NM_001267550.2 (MANE Select); coding-DNA position 36159, G replaced by A.
Protein change: p.Thr12053=; no amino-acid change (threonine 12053 retained).
Molecular consequence: synonymous variant. On other transcripts: intron variant (5).
Genome position (GRCh38, 1-based): chr2:178,664,697, C>T on the plus strand (G>A on the coding strand, the complement: TTN is on the minus strand). VCF-style: chr2-178664697-C-T. GRCh37 (hg19) VCF-style: chr2-179529424-C-T.
Other names: c.13283-22380G>A (NM_003319.4); c.13859-22380G>A (NM_133437.4); c.13658-22380G>A (NM_133432.3); c.31484-1642G>A (NM_133378.4); c.34265-1642G>A (NM_001256850.1).
Identifiers: ClinVar variation 467063 (VCV000467063.14), dbSNP rs773862719, ClinGen allele CA1997641.

ClinVar aggregate classification (germline): Likely benign. Review status: criteria provided, multiple submitters, no conflicts (2 of 4 stars). 3 submissions from 3 submitters: Likely benign (3). Last evaluated 2025-11-16.

Conditions:
TTN-related disorder. Also called: TTN-related condition; TTN-related disease; TTN-related disorders.
Autosomal recessive limb-girdle muscular dystrophy type 2J (LGMDR10). Also called: Limb-girdle muscular dystrophy, type 2J; MUSCULAR DYSTROPHY, LIMB-GIRDLE, AUTOSOMAL RECESSIVE 10. Identifiers: Orphanet 140922, MedGen C1837342, MONDO:0012127, OMIM 608807.
Dilated cardiomyopathy 1G (CMD1G). Identifiers: Orphanet 154, MedGen C1858763, MONDO:0011400, OMIM 604145.
Hypertrophic cardiomyopathy 9. Also called: Familial hypertrophic cardiomyopathy 9. Identifiers: MedGen C1861065, MONDO:0013412, OMIM 613765.
Myopathy, myofibrillar, 9, with early respiratory failure (MFM9). Also called: Hereditary myopathy with early respiratory failure; MYOPATHY, PROXIMAL, WITH EARLY RESPIRATORY MUSCLE INVOLVEMENT; EDSTROM MYOPATHY; Myopathy, distal, with early respiratory failure, autosomal dominant. Identifiers: Orphanet 178464, Orphanet 34521, MedGen C1863599, MONDO:0011362, OMIM 603689.
Tibial muscular dystrophy (TMD). Also called: Udd Distal Myopathy – Tibial Muscular Dystrophy; UDD MYOPATHY; Tibial muscular dystrophy, tardive. Identifiers: Orphanet 609, MedGen C1838244, MONDO:0010870, OMIM 600334.
Early-onset myopathy with fatal cardiomyopathy (CMYO5). Also called: Salih Myopathy; CONGENITAL MYOPATHY 5 WITH CARDIOMYOPATHY. Identifiers: Orphanet 289377, MedGen C2673677, MONDO:0012714, OMIM 611705. Disease mechanism: loss of function.

Allele frequency attached by ClinVar (database versions not stated): TOPMed 0.00005; gnomAD exomes 0.00007; ExAC 0.00008; gnomAD 0.00009.
gnomAD v4.1: 254 of 1,612,268 alleles (0.016%); highest among the groups gnomAD compares: Non-Finnish European, 0.02%; no homozygotes.

Submissions (3):

Labcorp Genetics (formerly Invitae), Labcorp
Classification: Likely benign for Dilated cardiomyopathy 1G; Autosomal recessive limb-girdle muscular dystrophy type 2J. Last evaluated: 2025-11-16. Review status: criteria provided, single submitter. Criteria: Invitae Variant Classification Sherloc (09022015). Collection method: clinical testing. Allele origin: germline.

PreventionGenetics, part of Exact Sciences
Classification: Likely benign for TTN-related condition. Last evaluated: 2025-05-23. Review status: criteria provided, single submitter. Criteria: ACMG Guidelines, 2015. Collection method: clinical testing. Allele origin: germline.
Comment: This variant is classified as likely benign based on ACMG/AMP sequence variant interpretation guidelines (Richards et al. 2015 PMID: 25741868, with internal and published modifications).

Fulgent Genetics
Classification: Likely benign for Tibial muscular dystrophy; Myopathy, myofibrillar, 9, with early respiratory failure; Dilated cardiomyopathy 1G; Autosomal recessive limb-girdle muscular dystrophy type 2J; Early-onset myopathy with fatal cardiomyopathy; Hypertrophic cardiomyopathy 9. Last evaluated: 2021-09-03. Review status: criteria provided, single submitter. Criteria: ACMG Guidelines, 2015. Collection method: clinical testing. Allele origin: unknown.